The following is an entry in ClinVar:

ClinVar aggregate classification (germline): Benign/Likely benign. Review status: criteria provided, multiple submitters, no conflicts (2 of 4 stars). 16 submissions from 15 submitters: Benign (12); Likely benign (1). 3 of the submissions do not count toward it. Last evaluated 2026-02-04.

Conditions:
Hereditary cancer-predisposing syndrome. Also called: Neoplastic Syndromes, Hereditary; Hereditary Cancer Syndrome; Tumor predisposition; Hereditary neoplastic syndrome. Identifiers: Orphanet 140162, MedGen C0027672, MeSH D009386, MONDO:0015356.
Hereditary breast ovarian cancer syndrome. Also called: Hereditary breast and ovarian cancer; Hereditary breast and/or ovarian cancer syndrome; Hereditary breast and ovarian cancer syndrome; Hereditary breast and ovarian cancer syndrome (HBOC); Breast and ovarian cancer; BRCA1- and BRCA2-Associated Hereditary Breast and Ovarian Cancer. Identifiers: Orphanet 145, MedGen C0677776, MeSH D061325, MONDO:0003582. Disease mechanism: loss of function.
Acute lymphoid leukemia (ALL). Also called: Leukemia, acute lymphoblastic, somatic; Lymphoblastic leukemia; Acute lymphoblastic leukemia; Acute lymphocytic leukemia. Identifiers: Orphanet 513, MedGen C0023449, MONDO:0004967, OMIM 613065, HP:0006721.
Microcephaly, normal intelligence and immunodeficiency (NBS). Also called: BERLIN BREAKAGE SYNDROME; Immunodeficiency, microcephaly with normal intelligence; SEEMANOVA SYNDROME II; Nijmegen breakage syndrome; Microcephaly with normal intelligence immunodeficiency and lymphoreticular malignancies; Nonsyndromal microcephaly autosomal recessive with normal intelligence. Identifiers: Orphanet 647, MedGen C0398791, MONDO:0009623, OMIM 251260.

Allele frequency attached by ClinVar (database versions not stated): ESP Exome Variant Server 0.28448; TOPMed 0.30017; gnomAD 0.30095 and 0.30823; gnomAD exomes 0.33300 and 0.34654; 1000 Genomes Project 30x 0.34338; ExAC 0.34459; 1000 Genomes Project 0.35304.
gnomAD v4.1: 532,376 of 1,609,156 alleles (33%); highest among the groups gnomAD compares: East Asian, 48%; 90,248 homozygotes.

Submissions (16):

Labcorp Genetics (formerly Invitae), Labcorp
Classification: Benign for Microcephaly, normal intelligence and immunodeficiency. Last evaluated: 2026-02-04. Review status: criteria provided, single submitter. Criteria: Invitae Variant Classification Sherloc (09022015). Collection method: clinical testing. Allele origin: germline.

ARUP Laboratories, Molecular Genetics and Genomics, ARUP Laboratories
Classification: Benign. Last evaluated: 2025-07-28. Review status: criteria provided, single submitter. Criteria: ARUP Molecular Germline Variant Investigation Process 2024. Collection method: clinical testing. Allele origin: germline.

GeneKor MSA
Classification: Benign for Hereditary cancer-predisposing syndrome. Last evaluated: 2025-07-10. Review status: criteria provided, single submitter. Criteria: ACMG Guidelines, 2015. Collection method: clinical testing. Allele origin: germline.

KCCC/NGS Laboratory, Kuwait Cancer Control Center
Classification: Benign for Microcephaly, normal intelligence and immunodeficiency. Last evaluated: 2025-02-01. Review status: criteria provided, single submitter. Criteria: ACMG Guidelines, 2015. Collection method: clinical testing. Allele origin: germline. Affected: no.

Blueprint Genetics
Classification: Likely benign. Last evaluated: 2024-11-27. Review status: criteria provided, single submitter. Criteria: ACMG Guidelines, 2015. Collection method: clinical testing. Allele origin: germline.

Unidad de Genómica Garrahan, Hospital de Pediatría Garrahan
Classification: Benign. Last evaluated: 2024-01-24. Review status: criteria provided, single submitter. Criteria: ACMG Guidelines, 2015. Collection method: clinical testing. Allele origin: germline. Affected: no. Observed: 58 variant alleles.
Comment: This variant is classified as Benign based on local population frequency. This variant was detected in 61% of patients studied by a panel of primary immunodeficiencies. Number of patients: 58. Only high quality variants are reported.

KCCC/NGS Laboratory, Kuwait Cancer Control Center
Classification: Benign for Acute lymphoid leukemia. Last evaluated: 2023-07-07. Review status: criteria provided, single submitter. Criteria: ACMG Guidelines, 2015. Collection method: clinical testing. Allele origin: germline. Affected: yes.

National Health Laboratory Service, Universitas Academic Hospital and University of the Free State
Classification: Benign for Hereditary breast ovarian cancer syndrome. Last evaluated: 2022-04-19. Review status: criteria provided, single submitter. Criteria: ACMG Guidelines, 2015. Collection method: clinical testing. Allele origin: germline. Affected: yes. Observed: 134 variant alleles.

Genome-Nilou Lab
Classification: Benign for Microcephaly, normal intelligence and immunodeficiency. Last evaluated: 2021-07-01. Review status: criteria provided, single submitter. Criteria: ACMG Guidelines, 2015. Collection method: clinical testing. Allele origin: germline. Affected: no.

Eurofins Ntd Llc (ga)
Classification: Benign. Last evaluated: 2015-04-10. Review status: criteria provided, single submitter. Criteria: EGL Classification Definitions 2015. Collection method: clinical testing. Allele origin: germline. Observed: 1 variant allele, 1 heterozygote.

GeneDx
Classification: Benign. Last evaluated: 2015-03-03. Review status: criteria provided, single submitter. Criteria: GeneDx Variant Classification Process June 2021. Collection method: clinical testing. Allele origin: germline. Affected: yes.

Breakthrough Genomics
Classification: Benign. Review status: criteria provided, single submitter. Criteria: ACMG Guidelines, 2015. Collection method: not provided. Allele origin: germline. Inheritance: Autosomal recessive inheritance. Affected: yes.

PreventionGenetics, part of Exact Sciences
Classification: Benign. Review status: criteria provided, single submitter. Criteria: ACMG Guidelines, 2015. Collection method: clinical testing. Allele origin: germline.

Clinical Genetics DNA and cytogenetics Diagnostics Lab, Erasmus MC, Erasmus Medical Center
Classification: Benign. Review status: no assertion criteria provided. Collection method: clinical testing. Allele origin: germline. Affected: yes. Study: VKGL Data-share Consensus. Not counted in ClinVar's aggregate classification.

Diagnostic Laboratory, Department of Genetics, University Medical Center Groningen
Classification: Benign. Review status: no assertion criteria provided. Collection method: clinical testing. Allele origin: germline. Affected: yes. Study: VKGL Data-share Consensus. Not counted in ClinVar's aggregate classification.

Joint Genome Diagnostic Labs from Nijmegen and Maastricht, Radboudumc and MUMC+
Classification: Benign. Review status: no assertion criteria provided. Collection method: clinical testing. Allele origin: germline. Affected: yes. Study: VKGL Data-share Consensus. Not counted in ClinVar's aggregate classification.

NM_002485.5(NBN):c.1124+18C>T

Gene: NBN (nibrin; minus strand). Cytogenetic location: 8q21.3.
Variant type: single nucleotide variant.
Coding change: c.1124+18C>T on transcript NM_002485.5 (MANE Select); 18 bases into the intron after coding-DNA position 1124, C replaced by T.
Molecular consequence: intron variant.
Genome position (GRCh38, 1-based): chr8:89,958,707, G>A on the plus strand (C>T on the coding strand, the complement: NBN is on the minus strand). VCF-style: chr8-89958707-G-A. GRCh37 (hg19) VCF-style: chr8-90970935-G-A.
Other names: c.878+18C>T (NM_001024688.3).
Identifiers: ClinVar variation 199080 (VCV000199080.46), dbSNP rs2234744, ClinGen allele CA203743.